The following is an entry in ClinVar:

ClinVar aggregate classification (germline): Uncertain significance. Review status: criteria provided, multiple submitters, no conflicts (2 of 4 stars). 2 submissions from 2 submitters: Uncertain significance (2). Last evaluated 2022-09-19.

Conditions:
Combined immunodeficiency due to DOCK8 deficiency (HIES2). Also called: HYPER-IgE SYNDROME 2, AUTOSOMAL RECESSIVE, WITH RECURRENT INFECTIONS; HYPER-IgE RECURRENT INFECTION SYNDROME 2, AUTOSOMAL RECESSIVE; DOCK8 Deficiency; Hyper-IgE recurrent infection syndrome, autosomal recessive; HIES autosomal recessive. Identifiers: Orphanet 217390, MedGen C4722305, MONDO:0009478, OMIM 243700.

Allele frequency attached by ClinVar (database versions not stated): ExAC 0.00002; gnomAD exomes 0.00002; TOPMed 0.00002; gnomAD 0.00003.
gnomAD v4.1: 49 of 1,614,032 alleles (0.003%); highest among the groups gnomAD compares: African/African-American, 0.0053%; no homozygotes.

Submissions (2):

Labcorp Genetics (formerly Invitae), Labcorp
Classification: Uncertain significance for Combined immunodeficiency due to DOCK8 deficiency. Last evaluated: 2022-09-19. Review status: criteria provided, single submitter. Criteria: Invitae Variant Classification Sherloc (09022015). Collection method: clinical testing. Allele origin: germline.
Comment: This sequence change replaces lysine, which is basic and polar, with arginine, which is basic and polar, at codon 492 of the DOCK8 protein (p.Lys492Arg). This variant is present in population databases (rs747740764, gnomAD 0.003%). This variant has not been reported in the literature in individuals affected with DOCK8-related conditions. ClinVar contains an entry for this variant (Variation ID: 424586). Advanced modeling of protein sequence and biophysical properties (such as structural, functional, and spatial information, amino acid conservation, physicochemical variation, residue mobility, and thermodynamic stability) performed at Invitae indicates that this missense variant is not expected to disrupt DOCK8 protein function. In summary, the available evidence is currently insufficient to determine the role of this variant in disease. Therefore, it has been classified as a Variant of Uncertain Significance.

GeneDx
Classification: Uncertain significance. Last evaluated: 2017-03-29. Review status: criteria provided, single submitter. Criteria: GeneDx Variant Classification (06012015). Collection method: clinical testing. Allele origin: germline. Affected: yes.
Comment: The K492R variant has not been published as a pathogenic variant, nor has it been reported as a benign variant to our knowledge. The variant is not observed at a significant frequency in large population cohorts (Lek et al., 2016; 1000 Genomes Consortium et al., 2015; Exome Variant Server). However, K492R is a conservative amino acid substitution, which is not likely to impact secondary protein structure as these residues share similar properties. This substitution occurs at a position that is not conserved. In silico analysis is inconsistent in its predictions as to whether or not the variant is damaging to the protein structure/function. In summary, based on the currently available information, it is unclear whether this variant is a pathogenic variant or a rare benign variant.

NM_203447.4(DOCK8):c.1475A>G (p.Lys492Arg)

Gene: DOCK8 (dedicator of cytokinesis 8; plus strand). Cytogenetic location: 9p24.3.
Variant type: single nucleotide variant.
Coding change: c.1475A>G on transcript NM_203447.4 (MANE Select); coding-DNA position 1475, A replaced by G.
Protein change: p.Lys492Arg; replaces lysine 492 with arginine.
Molecular consequence: missense variant.
Genome position (GRCh38, 1-based): chr9:339,058, A>G. VCF-style: chr9-339058-A-G. GRCh37 (hg19) VCF-style: chr9-339058-A-G.
Other names: c.1271A>G, p.Lys424Arg (NM_001190458.2, NM_001193536.2); short protein forms K492R, K424R.
Identifiers: ClinVar variation 424586 (VCV000424586.5), dbSNP rs747740764, ClinGen allele CA4957746.